The following is an entry in ClinVar:

NM_000531.6(OTC):c.134T>G (p.Leu45Arg)

Gene: OTC (ornithine transcarbamylase; plus strand). Cytogenetic location: Xp11.4.
Variant type: single nucleotide variant.
Coding change: c.134T>G on transcript NM_000531.6 (MANE Select); coding-DNA position 134, T replaced by G.
Protein change: p.Leu45Arg; replaces leucine 45 with arginine.
Molecular consequence: missense variant.
Genome position (GRCh38, 1-based): chrX:38,367,347, T>G. VCF-style: chrX-38367347-T-G. GRCh37 (hg19) VCF-style: chrX-38226600-T-G.
Other names: c.134T>G, p.Leu45Arg (NM_001407092.1); short protein forms L45R.
Identifiers: ClinVar variation 2128932 (VCV002128932.4), dbSNP rs72554312, ClinGen allele CA412716024.

ClinVar aggregate classification (germline): Likely pathogenic (1 of 4 stars; one submission).

Conditions:
Ornithine carbamoyltransferase deficiency (OTCD). Also called: ORNITHINE TRANSCARBAMYLASE DEFICIENCY, HYPERAMMONEMIA DUE TO; Ornithine Carbamoyltransferase Deficiency Disease; ORNITHINE TRANSCARBAMYLASE DEFICIENCY; OTC DEFICIENCY. Identifiers: Orphanet 664, MedGen C0268542, MONDO:0010703, OMIM 311250.

Submission:

Labcorp Genetics (formerly Invitae), Labcorp
Classification: Likely pathogenic for Ornithine carbamoyltransferase deficiency. Last evaluated: 2022-04-26. Review status: criteria provided, single submitter. Criteria: Invitae Variant Classification Sherloc (09022015). Collection method: clinical testing. Allele origin: germline.
Comment: This sequence change replaces leucine, which is neutral and non-polar, with arginine, which is basic and polar, at codon 45 of the OTC protein (p.Leu45Arg). This variant is not present in population databases (gnomAD no frequency). This missense change has been observed in individual(s) with OTC-related conditions (Invitae). Advanced modeling of protein sequence and biophysical properties (such as structural, functional, and spatial information, amino acid conservation, physicochemical variation, residue mobility, and thermodynamic stability) performed at Invitae indicates that this missense variant is expected to disrupt OTC protein function. This variant disrupts the p.Leu45 amino acid residue in OTC. Other variant(s) that disrupt this residue have been observed in individuals with OTC-related conditions (PMID: 1671317, 30175132), which suggests that this may be a clinically significant amino acid residue. In summary, the currently available evidence indicates that the variant is pathogenic, but additional data are needed to prove that conclusively. Therefore, this variant has been classified as Likely Pathogenic.

Literature cited by the submitters: PubMed 1671317; PubMed 30175132.